The following is an entry in ClinVar:

ClinVar aggregate classification (germline): Uncertain significance (1 of 4 stars; one submission).

Submission:

Labcorp Genetics (formerly Invitae), Labcorp
Classification: Uncertain significance. Last evaluated: 2024-10-24. Review status: criteria provided, single submitter. Criteria: Invitae Variant Classification Sherloc (09022015). Collection method: clinical testing. Allele origin: germline.
Comment: This sequence change falls in intron 2 of the IFT43 gene. It does not directly change the encoded amino acid sequence of the IFT43 protein. It affects a nucleotide within the consensus splice site. This variant is not present in population databases (gnomAD no frequency). This variant has not been reported in the literature in individuals affected with IFT43-related conditions. ClinVar contains an entry for this variant (Variation ID: 1374972). Variants that disrupt the consensus splice site are a relatively common cause of aberrant splicing (PMID: 17576681, 9536098). Algorithms developed to predict the effect of sequence changes on RNA splicing suggest that this variant is not likely to affect RNA splicing. In summary, the available evidence is currently insufficient to determine the role of this variant in disease. Therefore, it has been classified as a Variant of Uncertain Significance.

Literature cited by the submitters: PubMed 17576681; PubMed 9536098.

NM_001102564.3(IFT43):c.147+4G>T

Gene: IFT43 (intraflagellar transport 43; plus strand). Cytogenetic location: 14q24.3.
Variant type: single nucleotide variant.
Coding change: c.147+4G>T on transcript NM_001102564.3 (MANE Select); 4 bases into the intron after coding-DNA position 147, G replaced by T.
Molecular consequence: intron variant.
Genome position (GRCh38, 1-based): chr14:75,988,981, G>T. VCF-style: chr14-75988981-G-T. GRCh37 (hg19) VCF-style: chr14-76455324-G-T.
Other names: c.147+4G>T (NM_052873.3, NM_001255995.3).
Identifiers: ClinVar variation 1374972 (VCV001374972.6), dbSNP rs1304694148, ClinGen allele CA2573150233.